The following is an entry in ClinVar:

NM_017777.4(MKS1):c.*49C>A

Gene: MKS1 (MKS transition zone complex subunit 1; minus strand). Cytogenetic location: 17q22.
Variant type: single nucleotide variant.
Coding change: c.*49C>A on transcript NM_017777.4 (MANE Select); 49 bases downstream of the stop codon, C replaced by A.
Molecular consequence: 3 prime UTR variant. On other transcripts: missense variant (1).
Genome position (GRCh38, 1-based): chr17:58,206,030, G>T on the plus strand (C>A on the coding strand, the complement: MKS1 is on the minus strand). VCF-style: chr17-58206030-G-T. GRCh37 (hg19) VCF-style: chr17-56283391-G-T.
Other names: c.1646C>A (NM_001321269.1); c.*49C>A (NM_001321268.2); c.1646C>A, p.Ser549Tyr (NM_001321269.2); c.*141C>A (NM_001330397.2); short protein forms S549Y.
Identifiers: ClinVar variation 890608 (VCV000890608.8), dbSNP rs371962780, ClinGen allele CA8669039.
Genomic context (GRCh38, chr17:58,206,030, plus strand): 5'-TCAGCAGACCAACGTGGTCTCTAATCAGAAAGACGAAGAGGCAGGAGAGCACTGGCCTCA[G>T]ATATCCCCCATCTTGTCCTCTTGCACTGTGGGCCAGGGCTGCTGTGAGCTAGGAGACCAG-3'

ClinVar aggregate classification (germline): Uncertain significance. Review status: criteria provided, multiple submitters, no conflicts (2 of 4 stars). 3 submissions from 2 submitters: Uncertain significance (3). Last evaluated 2026-09-01.

Conditions:
MKS1-related disorder. Also called: MKS1-related condition; MKS1-related disorders. Identifiers: MedGen CN239382.
Meckel syndrome, type 1 (MKS1). Also called: MECKEL-GRUBER SYNDROME, TYPE 1. Identifiers: Orphanet 564, MedGen C3714506, MONDO:0009571, OMIM 249000.
Bardet-Biedl syndrome 13 (BBS13). Identifiers: Orphanet 110, MedGen C2673873, MONDO:0014441, OMIM 615990.

Allele frequency attached by ClinVar (database versions not stated): gnomAD 0.00005; gnomAD exomes 0.00006 and 0.00009; TOPMed 0.00007; ExAC 0.00008; ESP Exome Variant Server 0.00008.
gnomAD v4.1: 130 of 1,571,202 alleles (0.0083%); highest among the groups gnomAD compares: Non-Finnish European, 0.011%; no homozygotes.

Submissions (3):

PreventionGenetics, part of Exact Sciences
Classification: Uncertain significance for MKS1-related condition. Last evaluated: 2026-09-01. Review status: criteria provided, single submitter. Criteria: ACMG Guidelines, 2015. Collection method: clinical testing. Allele origin: germline.
Comment: The MKS1 c.1646C>A variant is predicted to result in the amino acid substitution p.Ser549Tyr. This variant corresponds to a post-coding position (c.*49C>A) in the main transcript for this gene (NM_017777). To our knowledge, this variant has not been reported in the literature. This variant is reported in 0.012% of alleles in individuals of European (non-Finnish) descent in gnomAD. At this time, the clinical significance of this variant is uncertain due to the absence of conclusive functional and genetic evidence.

Illumina Laboratory Services, Illumina
Classification: Uncertain significance for Bardet-Biedl syndrome 13. Last evaluated: 2018-01-13. Review status: criteria provided, single submitter. Criteria: ICSL Variant Classification Criteria 13 December 2019. Collection method: clinical testing. Allele origin: germline.

Illumina Laboratory Services, Illumina
Classification: Uncertain significance for Meckel syndrome, type 1. Last evaluated: 2018-01-13. Review status: criteria provided, single submitter. Criteria: ICSL Variant Classification Criteria 13 December 2019. Collection method: clinical testing. Allele origin: germline.